The following is an entry in ClinVar:

ClinVar aggregate classification (germline): Uncertain significance (1 of 4 stars; one submission).

Submission:

GeneDx
Classification: Uncertain significance. Last evaluated: 2025-03-31. Review status: criteria provided, single submitter. Criteria: GeneDx Variant Classification Process June 2021. Collection method: clinical testing. Allele origin: germline. Affected: yes.
Comment: Not observed at significant frequency in large population cohorts (gnomAD); In silico analysis indicates that this missense variant does not alter protein structure/function; Has not been previously published as pathogenic or benign to our knowledge

NM_001270.4(CHD1):c.4589T>C (p.Leu1530Ser)

Gene: CHD1 (chromodomain helicase DNA binding protein 1; minus strand). Cytogenetic location: 5q15.
Variant type: single nucleotide variant.
Coding change: c.4589T>C on transcript NM_001270.4 (MANE Select); coding-DNA position 4589, T replaced by C.
Protein change: p.Leu1530Ser; replaces leucine 1530 with serine.
Molecular consequence: missense variant. On other transcripts: non-coding transcript variant (2).
Genome position (GRCh38, 1-based): chr5:98,858,378, A>G on the plus strand (T>C on the coding strand, the complement: CHD1 is on the minus strand). VCF-style: chr5-98858378-A-G. GRCh37 (hg19) VCF-style: chr5-98194082-A-G.
Other names: c.4853T>C, p.Leu1618Ser (NM_001364113.3); c.4589T>C, p.Leu1530Ser (NM_001376194.2); short protein forms L1530S, L1618S.
Identifiers: ClinVar variation 4278581 (VCV004278581.1).